The following is an entry in ClinVar:

NM_000088.4(COL1A1):c.*244dup

Gene: COL1A1 (collagen type I alpha 1 chain; minus strand). Cytogenetic location: 17q21.33.
Variant type: Duplication.
Coding change: c.*244dup on transcript NM_000088.4 (MANE Select); 244 bases downstream of the stop codon, one base duplicated (A; older notation c.*244dupA).
Molecular consequence: 3 prime UTR variant.
Genome position (GRCh38, 1-based): chr17:50,185,258, T duplicated on the plus strand (A on the coding strand, the reverse complement: COL1A1 is on the minus strand); the first of 19 consecutive T bases (chr17:50,185,258-50,185,276); duplicating any one gives the same sequence. VCF-style (leftmost placement, unchanged base first): chr17-50185257-C-CT. GRCh37 (hg19) VCF-style: chr17-48262618-C-CT.
Other names: c.*244dupA (NM_000088.3).
Identifiers: ClinVar variation 3049923 (VCV003049923.2), dbSNP rs56302025, ClinGen allele CA772779691.

ClinVar aggregate classification (germline): Likely benign (0 of 4 stars; one submission).

Conditions:
COL1A1-related disorder. Also called: COL1A1- related disease; COL1A1-related condition.

Submission:

PreventionGenetics, part of Exact Sciences
Classification: Likely benign for COL1A1-related condition. Last evaluated: 2021-09-01. Review status: no assertion criteria provided. Collection method: clinical testing. Allele origin: germline.
Comment: This variant is classified as likely benign based on ACMG/AMP sequence variant interpretation guidelines (Richards et al. 2015 PMID: 25741868, with internal and published modifications).